The following is an entry in ClinVar:

ClinVar aggregate classification (germline): Uncertain significance (1 of 4 stars; one submission).

Submission:

GeneDx
Classification: Uncertain significance. Last evaluated: 2026-04-02. Review status: criteria provided, single submitter. Criteria: GeneDx Variant Classification Process June 2021. Collection method: clinical testing. Allele origin: germline.
Comment: Not observed at significant frequency in large population cohorts (gnomAD); In silico analysis supports that this missense variant has a deleterious effect on protein structure/function; Has not been previously published as pathogenic or benign to our knowledge

NM_001400225.1(MGA):c.6299C>T (p.Ser2100Phe)

Gene: MGA (MAX dimerization protein MGA; plus strand). Cytogenetic location: 15q15.1.
Variant type: single nucleotide variant.
Coding change: c.6299C>T on transcript NM_001400225.1 (MANE Select); coding-DNA position 6299, C replaced by T.
Protein change: p.Ser2100Phe; replaces serine 2100 with phenylalanine.
Molecular consequence: missense variant. On other transcripts: intron variant (1).
Genome position (GRCh38, 1-based): chr15:41,749,759, C>T. VCF-style: chr15-41749759-C-T. GRCh37 (hg19) VCF-style: chr15-42041957-C-T.
Other names: c.4105-4678C>T (NM_001400242.1); c.5525C>T, p.Ser1842Phe (NM_001080541.3); c.6152C>T, p.Ser2051Phe (NM_001164273.2); short protein forms S1842F, S2051F, S2100F.
Identifiers: ClinVar variation 5018182 (VCV005018182.1).